The following is an entry in ClinVar:

NM_020944.3(GBA2):c.1485G>A (p.Leu495=)

Gene: GBA2 (glucosylceramidase beta 2; minus strand). Cytogenetic location: 9p13.3.
Variant type: single nucleotide variant.
Coding change: c.1485G>A on transcript NM_020944.3 (MANE Select); coding-DNA position 1485, G replaced by A.
Protein change: p.Leu495=; no amino-acid change (leucine 495 retained).
Molecular consequence: synonymous variant.
Genome position (GRCh38, 1-based): chr9:35,739,725, C>T on the plus strand (G>A on the coding strand, the complement: GBA2 is on the minus strand). VCF-style: chr9-35739725-C-T. GRCh37 (hg19) VCF-style: chr9-35739722-C-T.
Other names: c.1485G>A, p.Leu495= (NM_001330660.2).
Identifiers: ClinVar variation 2579060 (VCV002579060.25), dbSNP rs1826522227, ClinGen allele CA464614456.

ClinVar aggregate classification (germline): Likely benign (1 of 4 stars; one submission).

gnomAD v4.1: 2 of 1,613,916 alleles (0.00012%); highest among the groups gnomAD compares: Non-Finnish European, 0.00017%; no homozygotes.

Submission:

CeGaT Center for Human Genetics Tuebingen
Classification: Likely benign. Last evaluated: 2023-08-01. Review status: criteria provided, single submitter. Criteria: CeGaT Center For Human Genetics Tuebingen Variant Classification Criteria Version 2. Collection method: clinical testing. Allele origin: germline. Affected: yes. Observed: 1 variant allele.
Comment: GBA2: PM2:Supporting, BP4, BP7